The following is an entry in ClinVar:

ClinVar aggregate classification (germline): Pathogenic (1 of 4 stars; one submission).

Conditions:
Mucopolysaccharidosis, MPS-II (MPS2). Also called: Hunter Syndrome; IDURONATE 2-SULFATASE DEFICIENCY; Mucopolysaccharidosis Type II; Mucopolysaccharidosis type 2; Attenuated MPS (subtype; formerly known as mild MPS II); Severe MPS II. Identifiers: Orphanet 580, Orphanet 79388, MedGen C0026705, MONDO:0010674, OMIM 309900.

Submission:

Laboratory of Diagnosis and Therapy of Lysosomal Disorders, University of Padova
Classification: Pathogenic for Mucopolysaccharidosis, MPS-II. Last evaluated: 2024-06-07. Review status: criteria provided, single submitter. Criteria: ACMG Guidelines, 2015. Collection method: literature only. Allele origin: germline. Affected: yes. Observed: 2 variant alleles.
Comment: Null variant (PVS1_Strong), Absent from controls (or at low frequency) in gnomAD database (PM2_Moderate), Patient’s phenotype or family history highly specific for the disease (PP4_Strong)

Classification method: ACMG Guidelines [PMID:25741868] with modifications

Literature cited by the submitters: PubMed 32448126; PubMed 9660053.

NM_000202.8(IDS):c.1186C>T (p.Gln396Ter)

Gene: IDS (iduronate 2-sulfatase; minus strand). Cytogenetic location: Xq28.
Variant type: single nucleotide variant.
Coding change: c.1186C>T on transcript NM_000202.8 (MANE Select); coding-DNA position 1186, C replaced by T.
Protein change: p.Gln396Ter; replaces glutamine 396 with a stop codon.
Molecular consequence: nonsense.
Genome position (GRCh38, 1-based): chrX:149,483,213, G>A on the plus strand (C>T on the coding strand, the complement: IDS is on the minus strand). VCF-style: chrX-149483213-G-A. GRCh37 (hg19) VCF-style: chrX-148564744-G-A.
Other names: c.916C>T, p.Gln306Ter (NM_001166550.4); short protein forms Q306*, Q396*.
Identifiers: ClinVar variation 3255985 (VCV003255985.2).
Genomic context (GRCh38, chrX:149,483,213, plus strand): 5'-GTCCTGCAAGTCCAGCCAGCGTGGGAAAAAGAGACACAAGTTCCACAAGGTCCATGGATT[G>A]CCTGCCTGAAACAGGAAGCGACAGAGCAGAATGGGTTACATTATAAAAGCCTGCCATGGC-3'